The following is an entry in ClinVar:

ClinVar aggregate classification (germline): Uncertain significance. Review status: criteria provided, multiple submitters, no conflicts (2 of 4 stars). 2 submissions from 2 submitters: Uncertain significance (2). Last evaluated 2024-01-21.

Conditions:
Hereditary cancer-predisposing syndrome. Also called: Neoplastic Syndromes, Hereditary; Tumor predisposition; Hereditary Cancer Syndrome; Hereditary neoplastic syndrome. Identifiers: Orphanet 140162, MedGen C0027672, MeSH D009386, MONDO:0015356.
Familial cancer of breast. Also called: BREAST CANCER, FAMILIAL; hereditary breast carcinoma; Hereditary breast cancer. Identifiers: Orphanet 227535, MedGen C0346153, MONDO:0016419, OMIM 114480. Disease mechanism: loss of function.

Submissions (2):

Ambry Genetics
Classification: Uncertain significance for Hereditary cancer-predisposing syndrome. Last evaluated: 2024-01-21. Review status: criteria provided, single submitter. Criteria: Ambry Variant Classification Scheme 2023. Collection method: clinical testing. Allele origin: germline.
Comment: The p.A1057G variant (also known as c.3170C>G), located in coding exon 11 of the PALB2 gene, results from a C to G substitution at nucleotide position 3170. The alanine at codon 1057 is replaced by glycine, an amino acid with similar properties. This amino acid position is conserved. In addition, this alteration is predicted to be tolerated by in silico analysis. Based on the available evidence, the clinical significance of this alteration remains unclear.

Labcorp Genetics (formerly Invitae), Labcorp
Classification: Uncertain significance for Familial cancer of breast. Last evaluated: 2022-12-04. Review status: criteria provided, single submitter. Criteria: Invitae Variant Classification Sherloc (09022015). Collection method: clinical testing. Allele origin: germline.
Comment: This variant is not present in population databases (gnomAD no frequency). In summary, the available evidence is currently insufficient to determine the role of this variant in disease. Therefore, it has been classified as a Variant of Uncertain Significance. Algorithms developed to predict the effect of missense changes on protein structure and function (SIFT, PolyPhen-2, Align-GVGD) all suggest that this variant is likely to be tolerated. This variant has not been reported in the literature in individuals affected with PALB2-related conditions. This sequence change replaces alanine, which is neutral and non-polar, with glycine, which is neutral and non-polar, at codon 1057 of the PALB2 protein (p.Ala1057Gly).

NM_024675.4(PALB2):c.3170C>G (p.Ala1057Gly)

Gene: PALB2 (partner and localizer of BRCA2; minus strand). Cytogenetic location: 16p12.2.
Variant type: single nucleotide variant.
Coding change: c.3170C>G on transcript NM_024675.4 (MANE Select); coding-DNA position 3170, C replaced by G.
Protein change: p.Ala1057Gly; replaces alanine 1057 with glycine.
Molecular consequence: missense variant. On other transcripts: intron variant (3).
Genome position (GRCh38, 1-based): chr16:23,614,035, G>C on the plus strand (C>G on the coding strand, the complement: PALB2 is on the minus strand). VCF-style: chr16-23614035-G-C. GRCh37 (hg19) VCF-style: chr16-23625356-G-C.
Other names: c.3110C>G, p.Ala1037Gly (NM_001407296.1); c.3098C>G, p.Ala1033Gly (NM_001407297.1); c.3008C>G, p.Ala1003Gly (NM_001407298.1, NM_001407302.1); c.2891C>G, p.Ala964Gly (NM_001407300.1); c.3170C>G, p.Ala1057Gly (NM_001407301.1); c.2285C>G, p.Ala762Gly (NM_001407304.1, NM_001407305.1, NM_001407306.1 and 2 more transcripts); c.2123C>G, p.Ala708Gly (NM_001407307.1); c.1382C>G, p.Ala461Gly (NM_001407312.1, NM_001407313.1); and 3 more; short protein forms A1057G, A964G, A762G, A1003G, A1033G, A1037G, A708G, A235G.
Identifiers: ClinVar variation 2818665 (VCV002818665.4), dbSNP rs2142299183, ClinGen allele CA395141230.